The following is an entry in ClinVar:

ClinVar aggregate classification (germline): Likely benign (0 of 4 stars; one submission).

Conditions:
GANAB-related disorder. Also called: GANAB-related condition.

Submission:

PreventionGenetics, part of Exact Sciences
Classification: Likely benign for GANAB-related condition. Last evaluated: 2024-03-07. Review status: no assertion criteria provided. Collection method: clinical testing. Allele origin: germline.
Comment: This variant is classified as likely benign based on ACMG/AMP sequence variant interpretation guidelines (Richards et al. 2015 PMID: 25741868, with internal and published modifications).

NM_198334.3(GANAB):c.-7G>A

Gene: GANAB (glucosidase II alpha subunit; minus strand). Cytogenetic location: 11q12.3.
Variant type: single nucleotide variant.
Coding change: c.-7G>A on transcript NM_198334.3 (MANE Select); 7 bases upstream of the start codon, G replaced by A.
Molecular consequence: 5 prime UTR variant.
Genome position (GRCh38, 1-based): chr11:62,646,606, C>T on the plus strand (G>A on the coding strand, the complement: GANAB is on the minus strand). VCF-style: chr11-62646606-C-T. GRCh37 (hg19) VCF-style: chr11-62414078-C-T.
Other names: c.-7G>A (NM_001278192.2, NM_001278193.2, NM_198335.4); c.-189G>A (NM_001278194.2); c.-294G>A (NM_001329223.2); c.-783G>A (NM_001329225.2).
Identifiers: ClinVar variation 3349145 (VCV003349145.1).
Genomic context (GRCh38, chr11:62,646,606, plus strand): 5'-ATTCCGGGCTCCTCACCGCCTCCTACGCGCCGCCACTGCCGCTACCGCCGCCATCTTGTG[C>T]AGAGTTTGCTCCTTGACCCCAAACCTCCCGCCCCATCGCGCGCGCTCAGCCACGTATCCT-3'